The following is an entry in ClinVar:

NM_001040108.2(MLH3):c.3640G>A (p.Ala1214Thr)

Gene: MLH3 (mutL homolog 3; minus strand). Cytogenetic location: 14q24.3.
Variant type: single nucleotide variant.
Coding change: c.3640G>A on transcript NM_001040108.2 (MANE Select); coding-DNA position 3640, G replaced by A.
Protein change: p.Ala1214Thr; replaces alanine 1214 with threonine.
Molecular consequence: missense variant.
Genome position (GRCh38, 1-based): chr14:75,038,343, C>T on the plus strand (G>A on the coding strand, the complement: MLH3 is on the minus strand). VCF-style: chr14-75038343-C-T. GRCh37 (hg19) VCF-style: chr14-75505046-C-T.
Other names: c.3640G>A (NM_001040108.1); c.3640G>A, p.Ala1214Thr (NM_014381.3); short protein forms A1214T.
Identifiers: ClinVar variation 1500761 (VCV001500761.9), dbSNP rs2139454669, ClinGen allele CA390426756.

ClinVar aggregate classification (germline): Uncertain significance. Review status: criteria provided, multiple submitters, no conflicts (2 of 4 stars). 2 submissions from 2 submitters: Uncertain significance (2). Last evaluated 2026-04-18.

Conditions:
Colorectal cancer, hereditary nonpolyposis, type 7. Identifiers: Orphanet 144, MedGen C1858380, MONDO:0013725, OMIM 614385.

Submissions (2):

Ambry Genetics
Classification: Uncertain significance. Last evaluated: 2026-04-18. Review status: criteria provided, single submitter. Criteria: Ambry Variant Classification Scheme 2023. Collection method: clinical testing. Allele origin: germline.
Comment: The p.A1214T variant (also known as c.3640G>A), located in coding exon 5 of the MLH3 gene, results from a G to A substitution at nucleotide position 3640. The alanine at codon 1214 is replaced by threonine, an amino acid with similar properties. This amino acid position is conserved. In addition, this alteration is predicted to be tolerated by in silico analysis. Based on the available evidence, the clinical significance of this variant remains unclear.

Labcorp Genetics (formerly Invitae), Labcorp
Classification: Uncertain significance for Colorectal cancer, hereditary nonpolyposis, type 7. Last evaluated: 2022-09-20. Review status: criteria provided, single submitter. Criteria: Invitae Variant Classification Sherloc (09022015). Collection method: clinical testing. Allele origin: germline.
Comment: This variant has not been reported in the literature in individuals affected with MLH3-related conditions. ClinVar contains an entry for this variant (Variation ID: 1500761). Algorithms developed to predict the effect of missense changes on protein structure and function output the following: SIFT: "Tolerated"; PolyPhen-2: "Benign"; Align-GVGD: "Class C0". The threonine amino acid residue is found in multiple mammalian species, which suggests that this missense change does not adversely affect protein function. In summary, the available evidence is currently insufficient to determine the role of this variant in disease. Therefore, it has been classified as a Variant of Uncertain Significance. This sequence change replaces alanine, which is neutral and non-polar, with threonine, which is neutral and polar, at codon 1214 of the MLH3 protein (p.Ala1214Thr). This variant is not present in population databases (gnomAD no frequency).